The following is an entry in ClinVar:

NM_015100.4(POGZ):c.3907G>T (p.Val1303Phe)

Gene: POGZ (pogo transposable element derived with ZNF domain; minus strand). Cytogenetic location: 1q21.3.
Variant type: single nucleotide variant.
Coding change: c.3907G>T on transcript NM_015100.4 (MANE Select); coding-DNA position 3907, G replaced by T.
Protein change: p.Val1303Phe; replaces valine 1303 with phenylalanine.
Molecular consequence: missense variant.
Genome position (GRCh38, 1-based): chr1:151,405,128, C>A on the plus strand (G>T on the coding strand, the complement: POGZ is on the minus strand). VCF-style: chr1-151405128-C-A. GRCh37 (hg19) VCF-style: chr1-151377604-C-A.
Other names: c.3880G>T, p.Val1294Phe (NM_001194937.2); c.3721G>T, p.Val1241Phe (NM_001194938.2); c.3622G>T, p.Val1208Phe (NM_145796.4); c.3748G>T, p.Val1250Phe (NM_207171.2); short protein forms V1303F, V1294F, V1208F, V1241F, V1250F.
Identifiers: ClinVar variation 589677 (VCV000589677.5), dbSNP rs1557863070, ClinGen allele CA341937134.

ClinVar aggregate classification (germline): Uncertain significance (1 of 4 stars; one submission).

Conditions:
Inborn genetic diseases. Identifiers: MedGen C0950123, MeSH D030342.

Submission:

Ambry Genetics
Classification: Uncertain significance for Inborn genetic diseases. Last evaluated: 2016-03-24. Review status: criteria provided, single submitter. Criteria: Ambry Variant Classification Scheme 2023. Collection method: clinical testing. Allele origin: germline.
Comment: The p.V1303F variant (also known as c.3907G>T), located in coding exon 18 of the POGZ gene, results from a G to T substitution at nucleotide position 3907. The valine at codon 1303 is replaced by phenylalanine, an amino acid with highly similar properties. This variant was not reported in population based cohorts in the following databases: Database of Single Nucleotide Polymorphisms (dbSNP), NHLBI Exome Sequencing Project (ESP), and 1000 Genomes Project. In the ESP, this variant was not observed in 6503 samples (13006 alleles) with coverage at this position. This amino acid position is not well conserved in available vertebrate species. In addition, this alteration is predicted to be tolerated by in silico analysis. Since supporting evidence is limited at this time, the clinical significance of this variant remains unclear.